The following is an entry in ClinVar:

ClinVar aggregate classification (germline): Likely benign. Review status: criteria provided, multiple submitters, no conflicts (2 of 4 stars). 2 submissions from 2 submitters: Likely benign (2). Last evaluated 2024-10-16.

Conditions:
MYO18B-related disorder. Also called: MYO18B-related condition.

Allele frequency attached by ClinVar (database versions not stated): gnomAD exomes 0.00001.
gnomAD v4.1: 7 of 1,525,802 alleles (0.00046%); highest among the groups gnomAD compares: Non-Finnish European, 0.00061%; no homozygotes.

Submissions (2):

PreventionGenetics, part of Exact Sciences
Classification: Likely benign for MYO18B-related condition. Last evaluated: 2024-10-16. Review status: criteria provided, single submitter. Criteria: ACMG Guidelines, 2015. Collection method: clinical testing. Allele origin: germline.
Comment: This variant is classified as likely benign based on ACMG/AMP sequence variant interpretation guidelines (Richards et al. 2015 PMID: 25741868, with internal and published modifications).

Labcorp Genetics (formerly Invitae), Labcorp
Classification: Likely benign. Last evaluated: 2024-02-12. Review status: criteria provided, single submitter. Criteria: Invitae Variant Classification Sherloc (09022015). Collection method: clinical testing. Allele origin: germline.

NM_032608.7(MYO18B):c.3369-8C>T

Gene: MYO18B (myosin XVIIIB; plus strand). Cytogenetic location: 22q12.1.
Variant type: single nucleotide variant.
Coding change: c.3369-8C>T on transcript NM_032608.7 (MANE Select); 8 bases into the intron before coding-DNA position 3369, C replaced by T.
Molecular consequence: intron variant.
Genome position (GRCh38, 1-based): chr22:25,846,092, C>T. VCF-style: chr22-25846092-C-T. GRCh37 (hg19) VCF-style: chr22-26242059-C-T.
Other names: c.3372-8C>T (NM_001318245.2); c.3369-8C>T (NM_032608.6).
Identifiers: ClinVar variation 1603677 (VCV001603677.9), dbSNP rs768106030, ClinGen allele CA10160546.
Genomic context (GRCh38, chr22:25,846,092, plus strand): 5'-ACCACCCAGGCCAAGGCTTTCCCAAGAACCTCCTAAAGCTCCTCTCTCTTTTCCCTCCTC[C>T]CCACCAGAGAGGAGCTGCGGAGTCTATTCCAGGCCCGGGCCAAGCTGCCTCCTGTGTGCC-3'